The following is an entry in ClinVar:

ClinVar aggregate classification (germline): Uncertain significance (1 of 4 stars; one submission).

Submission:

Labcorp Genetics (formerly Invitae), Labcorp
Classification: Uncertain significance. Last evaluated: 2026-01-02. Review status: criteria provided, single submitter. Criteria: Invitae Variant Classification Sherloc (09022015). Collection method: clinical testing. Allele origin: germline.
Comment: This sequence change replaces glycine, which is neutral and non-polar, with aspartic acid, which is acidic and polar, at codon 858 of the ABL1 protein (p.Gly858Asp). This variant is not present in population databases (gnomAD no frequency). This variant has not been reported in the literature in individuals affected with ABL1-related conditions. Invitae Evidence Modeling of protein sequence and biophysical properties (such as structural, functional, and spatial information, amino acid conservation, physicochemical variation, residue mobility, and thermodynamic stability) indicates that this missense variant is not expected to disrupt ABL1 protein function with a negative predictive value of 95%. In summary, the available evidence is currently insufficient to determine the role of this variant in disease. Therefore, it has been classified as a Variant of Uncertain Significance.

NM_005157.6(ABL1):c.2516G>A (p.Gly839Asp)

Gene: ABL1 (ABL proto-oncogene 1, non-receptor tyrosine kinase; plus strand). Cytogenetic location: 9q34.12.
Variant type: single nucleotide variant.
Coding change: c.2516G>A on transcript NM_005157.6 (MANE Select); coding-DNA position 2516, G replaced by A.
Protein change: p.Gly839Asp; replaces glycine 839 with aspartic acid.
Molecular consequence: missense variant.
Genome position (GRCh38, 1-based): chr9:130,884,806, G>A. VCF-style: chr9-130884806-G-A. GRCh37 (hg19) VCF-style: chr9-133760193-G-A.
Other names: c.2573G>A, p.Gly858Asp (NM_007313.3); short protein forms G858D, G839D.
Identifiers: ClinVar variation 4771498 (VCV004771498.1).